The following is an entry in ClinVar:

NM_001271.4(CHD2):c.2375A>G (p.Lys792Arg)

Gene: CHD2 (chromodomain helicase DNA binding protein 2; plus strand). Cytogenetic location: 15q26.1.
Variant type: single nucleotide variant.
Coding change: c.2375A>G on transcript NM_001271.4 (MANE Select); coding-DNA position 2375, A replaced by G.
Protein change: p.Lys792Arg; replaces lysine 792 with arginine.
Molecular consequence: missense variant.
Genome position (GRCh38, 1-based): chr15:92,972,287, A>G. VCF-style: chr15-92972287-A-G. GRCh37 (hg19) VCF-style: chr15-93515517-A-G.
Other names: short protein forms K792R.
Identifiers: ClinVar variation 1715174 (VCV001715174.6), dbSNP rs2505527935, ClinGen allele CA393893162.

ClinVar aggregate classification (germline): Uncertain significance (1 of 4 stars; one submission).

Conditions:
Developmental and epileptic encephalopathy 94 (DEE94). Also called: CHD2-Related Neurodevelopmental Disorders; Epileptic encephalopathy, childhood-onset. Identifiers: Orphanet 1942, Orphanet 2382, MedGen C3809278, MONDO:0014150, OMIM 615369.

Submission:

Labcorp Genetics (formerly Invitae), Labcorp
Classification: Uncertain significance for Developmental and epileptic encephalopathy 94. Last evaluated: 2022-08-05. Review status: criteria provided, single submitter. Criteria: Invitae Variant Classification Sherloc (09022015). Collection method: clinical testing. Allele origin: germline.
Comment: This variant is not present in population databases (gnomAD no frequency). This sequence change replaces lysine, which is basic and polar, with arginine, which is basic and polar, at codon 792 of the CHD2 protein (p.Lys792Arg). This variant has not been reported in the literature in individuals affected with CHD2-related conditions. Advanced modeling of protein sequence and biophysical properties (such as structural, functional, and spatial information, amino acid conservation, physicochemical variation, residue mobility, and thermodynamic stability) performed at Invitae indicates that this missense variant is expected to disrupt CHD2 protein function. In summary, the available evidence is currently insufficient to determine the role of this variant in disease. Therefore, it has been classified as a Variant of Uncertain Significance.